The following is an entry in ClinVar:

ClinVar aggregate classification (germline): Conflicting classifications of pathogenicity. Review status: criteria provided, conflicting classifications (1 of 4 stars). 3 submissions from 3 submitters: Likely pathogenic (2); Uncertain significance (1). Last evaluated 2025-04-17.

Conditions:
F7-related disorders.
Factor VII deficiency. Also called: Factor 7 deficiency; F7 DEFICIENCY; HYPOPROCONVERTINEMIA. Identifiers: MedGen C0015503, MeSH D005168, MONDO:0002244.

Allele frequency attached by ClinVar (database versions not stated): gnomAD 0.00001; gnomAD exomes 0.00002; ExAC 0.00003.
gnomAD v4.1: 25 of 1,611,192 alleles (0.0016%); highest among the groups gnomAD compares: South Asian, 0.02%; no homozygotes.

Submissions (3):

North West Genomic Laboratory Hub, Manchester University NHS Foundation Trust
Classification: Likely pathogenic for Factor VII deficiency. Last evaluated: 2025-04-17. Review status: criteria provided, single submitter. Criteria: ACGS Best Practice Guidelines for Variant Classification in Rare Disease 2024. Collection method: clinical testing. Allele origin: germline. Affected: yes.
Comment: PM3_Str PM2_Mod PP4_Mod PP3_Supp

Blueprint Genetics
Classification: Likely pathogenic for F7-related disorders. Last evaluated: 2024-01-17. Review status: criteria provided, single submitter. Criteria: ACMG Guidelines, 2015. Collection method: clinical testing. Allele origin: germline. Affected: yes. Observed: 2 variant alleles.

Women's Health and Genetics/Laboratory Corporation of America, LabCorp
Classification: Uncertain significance. Last evaluated: 2023-08-07. Review status: criteria provided, single submitter. Criteria: LabCorp Variant Classification Summary - May 2015. Collection method: clinical testing. Allele origin: germline.
Comment: Variant summary: F7 c.904G>A (p.Asp302Asn) results in a conservative amino acid change located in the Trypsin-like serine protease (IPR001254) of the encoded protein sequence. Four of five in-silico tools predict a damaging effect of the variant on protein function. The variant allele was found at a frequency of 3.2e-05 in 248148 control chromosomes. c.904G>A has been reported in the literature in individuals affected with Congenital factor VII deficiency (Ahmed_2005, Millar_2000). These data indicate that the variant may be associated with disease. To our knowledge, no experimental evidence demonstrating an impact on protein function has been reported. The following publications have been ascertained in the context of this evaluation (PMID: 11129332, 15792686). No submitters have cited clinical-significance assessments for this variant to ClinVar after 2014. Based on the evidence outlined above, the variant was classified as VUS-possibly pathogenic.

Literature cited by the submitters: PubMed 15792686 (cited by Women's Health and Genetics/Laboratory Corporation of America, LabCorp); PubMed 11129332 (cited by Women's Health and Genetics/Laboratory Corporation of America, LabCorp).

NM_019616.4(F7):c.838G>A (p.Asp280Asn)

Gene: F7 (coagulation factor VII; plus strand). Cytogenetic location: 13q34.
Variant type: single nucleotide variant.
Coding change: c.838G>A on transcript NM_019616.4 (MANE Select); coding-DNA position 838, G replaced by A.
Protein change: p.Asp280Asn; replaces aspartic acid 280 with asparagine.
Molecular consequence: missense variant. On other transcripts: non-coding transcript variant (1).
Genome position (GRCh38, 1-based): chr13:113,118,511, G>A. VCF-style: chr13-113118511-G-A. GRCh37 (hg19) VCF-style: chr13-113772825-G-A.
Other names: c.904G>A, p.Asp302Asn (NM_000131.5); c.652G>A, p.Asp218Asn (NM_001267554.2); short protein forms D218N, D280N, D302N.
Identifiers: ClinVar variation 2581515 (VCV002581515.3), dbSNP rs770328850, ClinGen allele CA7060162.
Genomic context (GRCh38, chr13:113,118,511, plus strand): 5'-AGCCGGCGGGTGGCGCAGGTCATCATCCCCAGCACGTACGTCCCGGGCACCACCAACCAC[G>A]ACATCGCGCTGCTCCGCCTGCACCAGCCCGTGGTCCTCACTGACCATGTGGTGCCCCTCT-3'
Protein context (NP_062562.1, residues 270-290): STYVPGTTNH[Asp280Asn]IALLRLHQPV